The following is an entry in ClinVar:

ClinVar aggregate classification (germline): Benign. Review status: criteria provided, single submitter (1 of 4 stars). 3 submissions from 3 submitters: Benign (1). 2 of the submissions do not count toward it. Last evaluated 2026-01-26.

Conditions:
ACACA-related disorder. Also called: ACACA-related condition.

Allele frequency attached by ClinVar (database versions not stated): gnomAD exomes 0.00135 and 0.00317; ExAC 0.00411; gnomAD 0.01144 and 0.01218; TOPMed 0.01289; ESP Exome Variant Server 0.01318; 1000 Genomes Project 0.01757; 1000 Genomes Project 30x 0.01796.

Submissions (3):

Labcorp Genetics (formerly Invitae), Labcorp
Classification: Benign. Last evaluated: 2026-01-26. Review status: criteria provided, single submitter. Criteria: Invitae Variant Classification Sherloc (09022015). Collection method: clinical testing. Allele origin: germline.

PreventionGenetics, part of Exact Sciences
Classification: Benign for ACACA-related condition. Last evaluated: 2019-02-28. Review status: no assertion criteria provided. Collection method: clinical testing. Allele origin: germline. Not counted in ClinVar's aggregate classification.
Comment: This variant is classified as benign based on ACMG/AMP sequence variant interpretation guidelines (Richards et al. 2015 PMID: 25741868, with internal and published modifications).

Mayo Clinic Laboratories, Mayo Clinic
Classification: Likely benign. Last evaluated: 2016-03-15. Review status: no assertion criteria provided. Collection method: clinical testing. Allele origin: unknown. Not counted in ClinVar's aggregate classification.

NM_198834.3(ACACA):c.2082-10_2082-8dup

Gene: ACACA (acetyl-CoA carboxylase alpha; minus strand). Cytogenetic location: 17q12.
Variant type: Duplication.
Coding change: c.2082-10_2082-8dup on transcript NM_198834.3 (MANE Select); 10 bases into the intron before coding-DNA position 2082 through 8 bases into the intron before coding-DNA position 2082, 3 bases duplicated (GTT; older notation c.2082-10_2082-8dupGTT).
Molecular consequence: intron variant.
Genome position (GRCh38, 1-based): chr17:37,248,682-37,248,684, AAC duplicated on the plus strand (GTT on the coding strand, the reverse complement: ACACA is on the minus strand). VCF-style (leftmost placement, unchanged base first): chr17-37248681-G-GAAC. GRCh37 (hg19) VCF-style: chr17-35605605-G-GAAC.
Other names: c.1971-10_1971-8dup (NM_198839.3, NM_198836.3); c.1797-10_1797-8dup (NM_198837.2); c.1737-10_1737-8dup (NM_198838.2); c.2082-10_2082-8dupGTT (NM_198834.2).
Identifiers: ClinVar variation 559345 (VCV000559345.14), dbSNP rs147020148, ClinGen allele CA8515662.